The following is an entry in ClinVar:

ClinVar aggregate classification (germline): Uncertain significance (1 of 4 stars; one submission).

Conditions:
Hereditary cancer-predisposing syndrome. Also called: Neoplastic Syndromes, Hereditary; Hereditary Cancer Syndrome; Hereditary neoplastic syndrome; Tumor predisposition. Identifiers: Orphanet 140162, MedGen C0027672, MeSH D009386, MONDO:0015356.

Submission:

Ambry Genetics
Classification: Uncertain significance for Hereditary cancer-predisposing syndrome. Last evaluated: 2016-03-18. Review status: criteria provided, single submitter. Criteria: Ambry Variant Classification Scheme 2023. Collection method: clinical testing. Allele origin: germline.
Comment: The p.I1294F variant (also known as c.3880A>T), located in coding exon 25 of the ATM gene, results from an A to T substitution at nucleotide position 3880. The isoleucine at codon 1294 is replaced by phenylalanine, an amino acid with highly similar properties. This variant was not reported in population based cohorts in the following databases: Database of Single Nucleotide Polymorphisms (dbSNP), NHLBI Exome Sequencing Project (ESP), and 1000 Genomes Project. In the ESP, this variant was not observed in 6499 samples (12998 alleles) with coverage at this position. To date, this alteration has been detected with an allele frequency of approximately 0.001% (greater than 125000 alleles tested) in our clinical cohort. This amino acid position is highly conserved in available vertebrate species. In addition, this alteration is predicted to be deleterious by in silico analysis. Since supporting evidence is limited at this time, the clinical significance of this alteration remains unclear.

NM_000051.4(ATM):c.3880A>T (p.Ile1294Phe)

Gene: ATM (ATM serine/threonine kinase; plus strand). Cytogenetic location: 11q22.3.
Variant type: single nucleotide variant.
Coding change: c.3880A>T on transcript NM_000051.4 (MANE Select); coding-DNA position 3880, A replaced by T.
Protein change: p.Ile1294Phe; replaces isoleucine 1294 with phenylalanine.
Molecular consequence: missense variant.
Genome position (GRCh38, 1-based): chr11:108,284,360, A>T. VCF-style: chr11-108284360-A-T. GRCh37 (hg19) VCF-style: chr11-108155087-A-T.
Other names: c.3880A>T, p.Ile1294Phe (NM_001351834.2); short protein forms I1294F.
Identifiers: ClinVar variation 478957 (VCV000478957.5), dbSNP rs1478504213, ClinGen allele CA382525430.
Genomic context (GRCh38, chr11:108,284,360, plus strand): 5'-CAGATTCAAGAGGACTGGAAAAGTCTTCTAACAGACTGCTTTCCAAAGATTCTTGTAAAT[A>T]TTCTTCCTTATTTTGCCTATGAGGGTACCAGAGACAGTGGGATGGCACAGCAAAGAGAGA-3'
Protein context (NP_000042.3, residues 1284-1304): TDCFPKILVN[Ile1294Phe]LPYFAYEGTR